The following is an entry in ClinVar:

ClinVar aggregate classification (germline): Uncertain significance (1 of 4 stars; one submission).

Conditions:
Hereditary cancer-predisposing syndrome. Also called: Neoplastic Syndromes, Hereditary; Tumor predisposition; Hereditary Cancer Syndrome; Hereditary neoplastic syndrome. Identifiers: Orphanet 140162, MedGen C0027672, MeSH D009386, MONDO:0015356.

Submission:

Color Diagnostics, LLC DBA Color Health
Classification: Uncertain significance for Hereditary cancer-predisposing syndrome. Last evaluated: 2024-11-04. Review status: criteria provided, single submitter. Criteria: ACMG Guidelines, 2015. Collection method: clinical testing. Allele origin: germline.
Comment: This missense variant replaces valine with leucine at codon 1944 of the ATM protein. Computational prediction suggests that this variant may not impact protein structure and function (internally defined REVEL score threshold <= 0.5, PMID: 27666373). To our knowledge, functional studies have not been reported for this variant. This variant has not been reported in individuals affected with ATM-related disorders in the literature. This variant has not been identified in the general population by the Genome Aggregation Database (gnomAD). The available evidence is insufficient to determine the role of this variant in disease conclusively. Therefore, this variant is classified as a Variant of Uncertain Significance.

NM_000051.4(ATM):c.5830G>T (p.Val1944Leu)

Genes: ATM (ATM serine/threonine kinase; plus strand), C11orf65 (chromosome 11 open reading frame 65; minus strand). Cytogenetic location: 11q22.3.
Variant type: single nucleotide variant.
Coding change: c.5830G>T on transcript NM_000051.4 (MANE Select); coding-DNA position 5830, G replaced by T.
Protein change: p.Val1944Leu; replaces valine 1944 with leucine.
Molecular consequence: missense variant. On other transcripts: intron variant (2).
Genome position (GRCh38, 1-based): chr11:108,310,227, G>T. VCF-style: chr11-108310227-G-T. GRCh37 (hg19) VCF-style: chr11-108180954-G-T.
Other names: c.5830G>T, p.Val1944Leu (NM_001351834.2); c.641-1156C>A (NM_001330368.2); c.*39-1156C>A (NM_001351110.2); short protein forms V1944L.
Identifiers: ClinVar variation 3894157 (VCV003894157.1).